The following is an entry in ClinVar:

ClinVar aggregate classification (germline): Likely pathogenic (1 of 4 stars; one submission).

Conditions:
Microcephalic osteodysplastic primordial dwarfism type II (MOPD2). Also called: MOPD II; OSTEODYSPLASTIC PRIMORDIAL DWARFISM, TYPE II; Microcephalic osteodysplastic primordial dwarfism with tooth abnormalities. Identifiers: Orphanet 2637, MedGen C0432246, MONDO:0008872, OMIM 210720.

Submission:

Juno Genomics, Hangzhou Juno Genomics, Inc
Classification: Likely pathogenic for Microcephalic osteodysplastic primordial dwarfism type II. Review status: criteria provided, single submitter. Criteria: ACMG Guidelines, 2015. Collection method: clinical testing. Allele origin: germline.
Comment: Absent from controls (or at extremely low frequency if recessive) in Genome Aggregation Database.;Null variant in a gene where loss of function (LOF) is a known mechanism of disease.

NM_006031.6(PCNT):c.3041_3042del (p.Gln1014fs)

Gene: PCNT (pericentrin; plus strand). Cytogenetic location: 21q22.3.
Variant type: Deletion.
Coding change: c.3041_3042del on transcript NM_006031.6 (MANE Select); coding-DNA positions 3041 to 3042, 2 bases deleted (AA; older notation c.3041_3042delAA).
Protein change: p.Gln1014fs; shifts the reading frame from glutamine 1014.
Molecular consequence: frameshift variant.
Genome position (GRCh38, 1-based): chr21:46,367,015-46,367,016, AA deleted. VCF-style (leftmost placement, unchanged base first): chr21-46367014-CAA-C. GRCh37 (hg19) VCF-style: chr21-47786929-CAA-C.
Other names: c.2687_2688del, p.Gln896fs (NM_001315529.2); short protein forms Q1014fs, Q896fs.
Identifiers: ClinVar variation 5019072 (VCV005019072.2).